The following is an entry in ClinVar:

ClinVar aggregate classification (germline): Likely benign. Review status: criteria provided, multiple submitters, no conflicts (2 of 4 stars). 2 submissions from 2 submitters: Likely benign (2). Last evaluated 2026-02-01.

Allele frequency attached by ClinVar (database versions not stated): gnomAD exomes 0.00005 and 0.00014; gnomAD 0.00006 and 0.00007; TOPMed 0.00008; ExAC 0.00013; 1000 Genomes Project 30x 0.00016; 1000 Genomes Project 0.00020.
gnomAD v4.1: 78 of 1,613,652 alleles (0.0048%); highest among the groups gnomAD compares: Admixed American, 0.042%; no homozygotes.

Submissions (2):

CeGaT Center for Human Genetics Tuebingen
Classification: Likely benign. Last evaluated: 2026-02-01. Review status: criteria provided, single submitter. Criteria: CeGaT Center For Human Genetics Tuebingen Variant Classification Criteria Version 2. Collection method: clinical testing. Allele origin: germline. Affected: yes. Observed: 1 variant allele.
Comment: NDST1: BP4, BP7

Labcorp Genetics (formerly Invitae), Labcorp
Classification: Likely benign. Last evaluated: 2025-03-03. Review status: criteria provided, single submitter. Criteria: Invitae Variant Classification Sherloc (09022015). Collection method: clinical testing. Allele origin: germline.

NM_001543.5(NDST1):c.765C>T (p.Asp255=)

Gene: NDST1 (N-deacetylase and N-sulfotransferase 1; plus strand). Cytogenetic location: 5q33.1.
Variant type: single nucleotide variant.
Coding change: c.765C>T on transcript NM_001543.5 (MANE Select); coding-DNA position 765, C replaced by T.
Protein change: p.Asp255=; no amino-acid change (aspartic acid 255 retained).
Molecular consequence: synonymous variant.
Genome position (GRCh38, 1-based): chr5:150,528,055, C>T. VCF-style: chr5-150528055-C-T. GRCh37 (hg19) VCF-style: chr5-149907617-C-T.
Other names: c.765C>T, p.Asp255= (NM_001301063.2).
Identifiers: ClinVar variation 1579197 (VCV001579197.12), dbSNP rs561094188, ClinGen allele CA3512482.